The following is an entry in ClinVar:

ClinVar aggregate classification (germline): Uncertain significance. Review status: criteria provided, multiple submitters, no conflicts (2 of 4 stars). 2 submissions from 2 submitters: Uncertain significance (2). Last evaluated 2025-07-19.

Conditions:
Inborn genetic diseases. Identifiers: MedGen C0950123, MeSH D030342.

Submissions (2):

Labcorp Genetics (formerly Invitae), Labcorp
Classification: Uncertain significance. Last evaluated: 2025-07-19. Review status: criteria provided, single submitter. Criteria: Invitae Variant Classification Sherloc (09022015). Collection method: clinical testing. Allele origin: germline.
Comment: This sequence change replaces valine, which is neutral and non-polar, with methionine, which is neutral and non-polar, at codon 256 of the TBXA2R protein (p.Val256Met). This variant is present in population databases (rs768214380, gnomAD 0.01%). This variant has not been reported in the literature in individuals affected with TBXA2R-related conditions. ClinVar contains an entry for this variant (Variation ID: 3453955). Invitae Evidence Modeling of protein sequence and biophysical properties (such as structural, functional, and spatial information, amino acid conservation, physicochemical variation, residue mobility, and thermodynamic stability) indicates that this missense variant is not expected to disrupt TBXA2R protein function with a negative predictive value of 80%. In summary, the available evidence is currently insufficient to determine the role of this variant in disease. Therefore, it has been classified as a Variant of Uncertain Significance.

Ambry Genetics
Classification: Uncertain significance for Inborn genetic diseases. Last evaluated: 2024-10-01. Review status: criteria provided, single submitter. Criteria: Ambry Variant Classification Scheme 2023. Collection method: clinical testing. Allele origin: germline.

NM_001060.6(TBXA2R):c.766G>A (p.Val256Met)

Gene: TBXA2R (thromboxane A2 receptor; minus strand). Cytogenetic location: 19p13.3.
Variant type: single nucleotide variant.
Coding change: c.766G>A on transcript NM_001060.6 (MANE Select); coding-DNA position 766, G replaced by A.
Protein change: p.Val256Met; replaces valine 256 with methionine.
Molecular consequence: missense variant.
Genome position (GRCh38, 1-based): chr19:3,599,869, C>T on the plus strand (G>A on the coding strand, the complement: TBXA2R is on the minus strand). VCF-style: chr19-3599869-C-T. GRCh37 (hg19) VCF-style: chr19-3599867-C-T.
Other names: c.766G>A, p.Val256Met (NM_201636.3); short protein forms V256M.
Identifiers: ClinVar variation 3453955 (VCV003453955.2).